The following is an entry in ClinVar:

ClinVar aggregate classification (germline): Uncertain significance (1 of 4 stars; one submission).

Conditions:
DICER1-related tumor predisposition. Also called: DICER1-related pleuropulmonary blastoma cancer predisposition syndrome; DICER1 syndrome. Identifiers: Orphanet 284343, MedGen C3839822, MONDO:0100216.

Submission:

Labcorp Genetics (formerly Invitae), Labcorp
Classification: Uncertain significance for DICER1-related tumor predisposition. Last evaluated: 2017-10-31. Review status: criteria provided, single submitter. Criteria: Invitae Variant Classification Sherloc (09022015). Collection method: clinical testing. Allele origin: germline.
Comment: This sequence change replaces arginine with proline at codon 1910 of the DICER1 protein (p.Arg1910Pro). The arginine residue is highly conserved and there is a moderate physicochemical difference between arginine and proline. This variant is not present in population databases (ExAC no frequency) and has not been reported in the literature in individuals with a DICER1-related disease. Algorithms developed to predict the effect of missense changes on protein structure and function (SIFT, PolyPhen-2, Align-GVGD) all suggest that this variant is likely to be disruptive, but these predictions have not been confirmed by published functional studies. In summary, this variant is a novel missense change with uncertain impact on protein function. It has been classified as a Variant of Uncertain Significance.

NM_177438.3(DICER1):c.5729G>C (p.Arg1910Pro)

Gene: DICER1 (dicer 1, ribonuclease III; minus strand). Cytogenetic location: 14q32.13.
Variant type: single nucleotide variant.
Coding change: c.5729G>C on transcript NM_177438.3 (MANE Select); coding-DNA position 5729, G replaced by C.
Protein change: p.Arg1910Pro; replaces arginine 1910 with proline.
Molecular consequence: missense variant. On other transcripts: 3 prime UTR variant (1).
Genome position (GRCh38, 1-based): chr14:95,090,538, C>G on the plus strand (G>C on the coding strand, the complement: DICER1 is on the minus strand). VCF-style: chr14-95090538-C-G. GRCh37 (hg19) VCF-style: chr14-95556875-C-G.
Other names: c.*76G>C (NM_001195573.1); c.5729G>C, p.Arg1910Pro (NM_001271282.3, NM_001291628.2, NM_030621.4); short protein forms R1910P.
Identifiers: ClinVar variation 477269 (VCV000477269.10), dbSNP rs1555365979, ClinGen allele CA390863031.